The following is an entry in ClinVar:

NM_004360.5(CDH1):c.1887A>G (p.Glu629=)

Gene: CDH1 (cadherin 1; plus strand). Cytogenetic location: 16q22.1.
Variant type: single nucleotide variant.
Coding change: c.1887A>G on transcript NM_004360.5 (MANE Select); coding-DNA position 1887, A replaced by G.
Protein change: p.Glu629=; no amino-acid change (glutamic acid 629 retained).
Molecular consequence: synonymous variant. On other transcripts: 5 prime UTR variant (1).
Genome position (GRCh38, 1-based): chr16:68,822,176, A>G. VCF-style: chr16-68822176-A-G. GRCh37 (hg19) VCF-style: chr16-68856079-A-G.
Other names: c.1704A>G, p.Glu568= (NM_001317184.2); c.339A>G, p.Glu113= (NM_001317185.2); c.-79A>G (NM_001317186.2); c.1887A>G (LRG_301t1).
Identifiers: ClinVar variation 320265 (VCV000320265.13), dbSNP rs886052236, ClinGen allele CA10644107.

ClinVar aggregate classification (germline): Benign/Likely benign. Review status: criteria provided, multiple submitters, no conflicts (2 of 4 stars). 2 submissions from 2 submitters: Benign (1); Likely benign (1). Last evaluated 2024-09-20.

Conditions:
Hereditary diffuse gastric adenocarcinoma (HDGC). Also called: DIFFUSE GASTRIC AND LOBULAR BREAST CANCER SYNDROME. Identifiers: Orphanet 26106, MedGen C1708349, MONDO:0007648, OMIM 137215.

Allele frequency attached by ClinVar (database versions not stated): gnomAD exomes below 0.00001.
gnomAD v4.1: 1 of 1,614,150 alleles (0.000062%); highest among the groups gnomAD compares: Non-Finnish European, 0.000085%; no homozygotes.

Submissions (2):

Myriad Genetics, Inc.
Classification: Benign for Hereditary diffuse gastric adenocarcinoma. Last evaluated: 2024-09-20. Review status: criteria provided, single submitter. Criteria: Myriad Autosomal Dominant, Autosomal Recessive and X-Linked Classification Criteria (2023). Collection method: clinical testing. Allele origin: unknown.
Comment: This variant is considered benign. This variant is a silent/synonymous amino acid change and it is not expected to impact splicing.

Labcorp Genetics (formerly Invitae), Labcorp
Classification: Likely benign for Hereditary diffuse gastric adenocarcinoma. Last evaluated: 2021-04-04. Review status: criteria provided, single submitter. Criteria: Invitae Variant Classification Sherloc (09022015). Collection method: clinical testing. Allele origin: germline.